The following is an entry in ClinVar:

ClinVar aggregate classification (germline): Uncertain significance. Review status: criteria provided, multiple submitters, no conflicts (2 of 4 stars). 7 submissions from 7 submitters: Uncertain significance (6). 1 of the submissions does not count toward it. Last evaluated 2026-01-28.

Conditions:
Inborn genetic diseases. Identifiers: MedGen C0950123, MeSH D030342.
Nemaline myopathy 2 (NEM2). Also called: Nemaline myopathy 2, autosomal recessive. Identifiers: MedGen C1850569, MONDO:0009725, OMIM 256030.

Allele frequency attached by ClinVar (database versions not stated): gnomAD 0.00006 and 0.00005; ESP Exome Variant Server 0.00008; TOPMed 0.00008; ExAC 0.00011; gnomAD exomes 0.00011 and 0.00021.
gnomAD v4.1: 306 of 1,613,782 alleles (0.019%); highest among the groups gnomAD compares: Non-Finnish European, 0.024%; no homozygotes.

Submissions (7):

GeneDx
Classification: Uncertain significance. Last evaluated: 2026-01-28. Review status: criteria provided, single submitter. Criteria: GeneDx Variant Classification Process June 2021. Collection method: clinical testing. Allele origin: germline. Affected: yes.
Comment: In silico analysis supports that this missense variant has a deleterious effect on protein structure/function; Has not been previously published as pathogenic or benign to our knowledge

CeGaT Center for Human Genetics Tuebingen
Classification: Uncertain significance. Last evaluated: 2025-02-01. Review status: criteria provided, single submitter. Criteria: CeGaT Center For Human Genetics Tuebingen Variant Classification Criteria Version 2. Collection method: clinical testing. Allele origin: germline. Affected: yes. Observed: 1 variant allele.

Labcorp Genetics (formerly Invitae), Labcorp
Classification: Uncertain significance for Nemaline myopathy 2. Last evaluated: 2024-10-14. Review status: criteria provided, single submitter. Criteria: Invitae Variant Classification Sherloc (09022015). Collection method: clinical testing. Allele origin: germline.
Comment: This sequence change replaces arginine, which is basic and polar, with tryptophan, which is neutral and slightly polar, at codon 2566 of the NEB protein (p.Arg2566Trp). This variant is present in population databases (rs368232288, gnomAD 0.02%). This variant has not been reported in the literature in individuals affected with NEB-related conditions. ClinVar contains an entry for this variant (Variation ID: 378268). Experimental studies and prediction algorithms are not available or were not evaluated, and the functional significance of this variant is currently unknown. In summary, the available evidence is currently insufficient to determine the role of this variant in disease. Therefore, it has been classified as a Variant of Uncertain Significance.

Blueprint Genetics
Classification: Uncertain significance. Last evaluated: 2024-04-17. Review status: criteria provided, single submitter. Criteria: ACMG Guidelines, 2015. Collection method: clinical testing. Allele origin: germline.

Revvity Omics, Revvity
Classification: Uncertain significance. Last evaluated: 2023-12-01. Review status: criteria provided, single submitter. Criteria: ACMG Guidelines, 2015. Collection method: clinical testing. Allele origin: germline.

Ambry Genetics
Classification: Uncertain significance for Inborn genetic diseases. Last evaluated: 2023-02-28. Review status: criteria provided, single submitter. Criteria: Ambry Variant Classification Scheme 2023. Collection method: clinical testing. Allele origin: germline.

Natera, Inc.
Classification: Uncertain significance for Nemaline myopathy type 2. Last evaluated: 2019-11-11. Review status: no assertion criteria provided. Collection method: clinical testing. Allele origin: germline. Not counted in ClinVar's aggregate classification.

NM_001164508.2(NEB):c.7696C>T (p.Arg2566Trp)

Gene: NEB (nebulin; minus strand). Cytogenetic location: 2q23.3.
Variant type: single nucleotide variant.
Coding change: c.7696C>T on transcript NM_001164508.2 (MANE Select); coding-DNA position 7696, C replaced by T.
Protein change: p.Arg2566Trp; replaces arginine 2566 with tryptophan.
Molecular consequence: missense variant.
Genome position (GRCh38, 1-based): chr2:151,644,078, G>A on the plus strand (C>T on the coding strand, the complement: NEB is on the minus strand). VCF-style: chr2-151644078-G-A. GRCh37 (hg19) VCF-style: chr2-152500592-G-A.
Other names: c.7696C>T (NM_004543.4); c.7696C>T, p.Arg2566Trp (NM_001164507.2, NM_001271208.2, NM_004543.5); short protein forms R2566W.
Identifiers: ClinVar variation 378268 (VCV000378268.35), dbSNP rs368232288, ClinGen allele CA1909772.